The following is an entry in ClinVar:

NM_001195263.2(PDZD7):c.2680T>C (p.Phe894Leu)

Gene: PDZD7 (PDZ domain containing 7; minus strand). Cytogenetic location: 10q24.31.
Variant type: single nucleotide variant.
Coding change: c.2680T>C on transcript NM_001195263.2 (MANE Select); coding-DNA position 2680, T replaced by C.
Protein change: p.Phe894Leu; replaces phenylalanine 894 with leucine.
Molecular consequence: missense variant.
Genome position (GRCh38, 1-based): chr10:101,009,288, A>G on the plus strand (T>C on the coding strand, the complement: PDZD7 is on the minus strand). VCF-style: chr10-101009288-A-G. GRCh37 (hg19) VCF-style: chr10-102769045-A-G.
Other names: short protein forms F894L.
Identifiers: ClinVar variation 837392 (VCV000837392.13), dbSNP rs571203897, ClinGen allele CA5653955.

ClinVar aggregate classification (germline): Conflicting classifications of pathogenicity. Review status: criteria provided, conflicting classifications (1 of 4 stars). 4 submissions from 4 submitters: Uncertain significance (3); Likely benign (1). Last evaluated 2025-10-22.

Conditions:
Usher syndrome type 2C. Also called: Usher syndrome, type 2B; USHER SYNDROME, TYPE IIC. Identifiers: Orphanet 231178, Orphanet 886, MedGen C2931213, MONDO:0011558, OMIM 605472.
Usher syndrome type 2A. Also called: RETINAL DISEASE IN USHER SYNDROME TYPE IIA, MODIFIER OF; USHER SYNDROME, TYPE IIA. Identifiers: Orphanet 231178, Orphanet 886, MedGen C1848634, MONDO:0010169, OMIM 276901.
Hearing loss, autosomal recessive 57. Also called: DEAFNESS, AUTOSOMAL RECESSIVE 57. Identifiers: MedGen C4693893, MONDO:0033201, OMIM 618003.

Allele frequency attached by ClinVar (database versions not stated): gnomAD exomes 0.00007; 1000 Genomes Project 0.00020; gnomAD 0.00035; TOPMed 0.00035; 1000 Genomes Project 30x 0.00047; ExAC 0.00007.
gnomAD v4.1: 91 of 1,535,996 alleles (0.0059%); highest among the groups gnomAD compares: African/African-American, 0.11%; no homozygotes.

Submissions (4):

GeneDx
Classification: Uncertain significance. Last evaluated: 2025-10-22. Review status: criteria provided, single submitter. Criteria: GeneDx Variant Classification Process June 2021. Collection method: clinical testing. Allele origin: germline. Affected: yes.
Comment: In silico analysis suggests that this missense variant does not alter protein structure/function; Has not been previously published as pathogenic or benign to our knowledge

Blueprint Genetics
Classification: Likely benign. Last evaluated: 2022-09-16. Review status: criteria provided, single submitter. Criteria: ACMG Guidelines, 2015. Collection method: clinical testing. Allele origin: germline.

Labcorp Genetics (formerly Invitae), Labcorp
Classification: Uncertain significance. Last evaluated: 2022-09-13. Review status: criteria provided, single submitter. Criteria: Invitae Variant Classification Sherloc (09022015). Collection method: clinical testing. Allele origin: germline.
Comment: This sequence change replaces phenylalanine, which is neutral and non-polar, with leucine, which is neutral and non-polar, at codon 894 of the PDZD7 protein (p.Phe894Leu). This variant is present in population databases (rs571203897, gnomAD 0.1%). This variant has not been reported in the literature in individuals affected with PDZD7-related conditions. ClinVar contains an entry for this variant (Variation ID: 837392). Algorithms developed to predict the effect of missense changes on protein structure and function are either unavailable or do not agree on the potential impact of this missense change (SIFT: "Deleterious"; PolyPhen-2: "Not Available"; Align-GVGD: "Class C0"). In summary, the available evidence is currently insufficient to determine the role of this variant in disease. Therefore, it has been classified as a Variant of Uncertain Significance.

Fulgent Genetics
Classification: Uncertain significance for Usher syndrome type 2A; Usher syndrome type 2C; Hearing loss, autosomal recessive 57. Last evaluated: 2021-07-30. Review status: criteria provided, single submitter. Criteria: ACMG Guidelines, 2015. Collection method: clinical testing. Allele origin: unknown.